The following is an entry in ClinVar:

NM_006516.4(SLC2A1):c.399C>T (p.Cys133=)

Gene: SLC2A1 (solute carrier family 2 member 1; minus strand). Cytogenetic location: 1p34.2.
Variant type: single nucleotide variant.
Coding change: c.399C>T on transcript NM_006516.4 (MANE Select); coding-DNA position 399, C replaced by T.
Protein change: p.Cys133=; no amino-acid change (cysteine 133 retained).
Molecular consequence: synonymous variant.
Genome position (GRCh38, 1-based): chr1:42,930,743, G>A on the plus strand (C>T on the coding strand, the complement: SLC2A1 is on the minus strand). VCF-style: chr1-42930743-G-A. GRCh37 (hg19) VCF-style: chr1-43396414-G-A.
Other names: p.C133C:TGC>TGT; p.Cys133=; c.399C>T (NM_006516.3).
Identifiers: ClinVar variation 95411 (VCV000095411.41), dbSNP rs11537641, ClinGen allele CA019178.
Genomic context (GRCh38, chr1:42,930,743, plus strand): 5'-ACGAAGGGCTGTGGGTGACACTTCACCCACATACATGGGCACGAAGCCTGTGGTCAGGCC[G>A]CAGTACACACCGATGATGAAGCGGCCCAGGATCAGCATCTCAAAGGACTTGCCCAGTTTC-3'
Protein context (NP_006507.2, residues 123-143): ILGRFIIGVY[Cys133=]GLTTGFVPMY

ClinVar aggregate classification (germline): Benign/Likely benign. Review status: criteria provided, multiple submitters, no conflicts (2 of 4 stars). 24 submissions from 19 submitters: Benign (18); Likely benign (1). 5 of the submissions do not count toward it. Last evaluated 2026-02-04.

Conditions:
Encephalopathy due to GLUT1 deficiency. Also called: GLUCOSE TRANSPORT DEFECT, BLOOD-BRAIN BARRIER; Classic Glucose Transporter Type 1 Deficiency Syndrome; De Vivo disease; GLUT1 deficiency syndrome 1; Glucose transporter protein syndrome; GLUT1 deficiency syndrome 1, infantile onset, severe. Identifiers: Orphanet 71277, MedGen C4551966, MONDO:0011724, OMIM 606777.
Hereditary cryohydrocytosis with reduced stomatin. Also called: Stomatin-deficient cryohydrocytosis with neurologic defects; GLUT1 DEFICIENCY SYNDROME WITH PSEUDOHYPERKALEMIA AND HEMOLYSIS. Identifiers: Orphanet 168577, MedGen C1837206, MONDO:0012143, OMIM 608885.
Inborn genetic diseases. Identifiers: MedGen C0950123, MeSH D030342.
Epilepsy, idiopathic generalized, susceptibility to, 12 (EIG12). Identifiers: MedGen C3553859, MONDO:0013919, OMIM 614847.
Dystonia 9 (DYT9). Also called: CHOREOATHETOSIS, KINESIGENIC, WITH EPISODIC ATAXIA AND SPASTICITY. Identifiers: Orphanet 53583, MedGen C1832855, MONDO:0010983, OMIM 601042.
Childhood onset GLUT1 deficiency syndrome 2. Also called: Exertion-induced paroxysmal dyskinesia; PED WITH OR WITHOUT EPILEPSY AND/OR HEMOLYTIC ANEMIA; PAROXYSMAL EXERCISE-INDUCED DYSKINESIA WITH OR WITHOUT EPILEPSY AND/OR HEMOLYTIC ANEMIA; PAROXYSMAL EXERTION-INDUCED DYSTONIA WITH OR WITHOUT EPILEPSY AND/OR HEMOLYTIC ANEMIA; Paroxysmal exercise-induced dystonia; GLUT1 deficiency syndrome 2. Identifiers: Orphanet 98811, MedGen C1842534, MONDO:0012805, OMIM 612126.
GLUT1 deficiency syndrome 1, autosomal recessive. Identifiers: MedGen C3149117.

Allele frequency attached by ClinVar (database versions not stated): 1000 Genomes Project 0.14137; 1000 Genomes Project 30x 0.14788; TOPMed 0.16380; ESP Exome Variant Server 0.16392; gnomAD 0.16943 and 0.17051; gnomAD exomes 0.18971 and 0.19640; ExAC 0.19022.
gnomAD v4.1: 311,527 of 1,609,076 alleles (19%); highest among the groups gnomAD compares: Admixed American, 21%; 30,999 homozygotes.

Submissions (24):

Labcorp Genetics (formerly Invitae), Labcorp
Classification: Benign for GLUT1 deficiency syndrome 1, autosomal recessive. Last evaluated: 2026-02-04. Review status: criteria provided, single submitter. Criteria: Invitae Variant Classification Sherloc (09022015). Collection method: clinical testing. Allele origin: germline.

Blueprint Genetics
Classification: Likely benign. Last evaluated: 2024-11-26. Review status: criteria provided, single submitter. Criteria: ACMG Guidelines, 2015. Collection method: clinical testing. Allele origin: germline.

Unidad de Genómica Garrahan, Hospital de Pediatría Garrahan
Classification: Benign. Last evaluated: 2024-07-15. Review status: criteria provided, single submitter. Criteria: ACMG Guidelines, 2015. Collection method: clinical testing. Allele origin: germline. Affected: no. Observed: 37 variant alleles.
Comment: This variant is classified as Benign based on local population frequency. This variant was detected in 40% of patients studied in a panel designed for Epileptic and Developmental Encephalopathy and Progressive Myoclonus Epilepsy. Number of patients: 37. Only high quality variants are reported.

Genome-Nilou Lab
Classification: Benign for Epilepsy, idiopathic generalized, susceptibility to, 12. Last evaluated: 2023-04-11. Review status: criteria provided, single submitter. Criteria: ACMG Guidelines, 2015. Collection method: clinical testing. Allele origin: germline. Affected: no.

Genome-Nilou Lab
Classification: Benign for Dystonia 9. Last evaluated: 2023-04-11. Review status: criteria provided, single submitter. Criteria: ACMG Guidelines, 2015. Collection method: clinical testing. Allele origin: germline. Affected: no.

Genome-Nilou Lab
Classification: Benign for Encephalopathy due to GLUT1 deficiency. Last evaluated: 2023-04-11. Review status: criteria provided, single submitter. Criteria: ACMG Guidelines, 2015. Collection method: clinical testing. Allele origin: germline. Affected: no.

Genome-Nilou Lab
Classification: Benign for Childhood onset GLUT1 deficiency syndrome 2. Last evaluated: 2023-04-11. Review status: criteria provided, single submitter. Criteria: ACMG Guidelines, 2015. Collection method: clinical testing. Allele origin: germline. Affected: no.

Genome-Nilou Lab
Classification: Benign for Hereditary cryohydrocytosis with reduced stomatin. Last evaluated: 2023-04-11. Review status: criteria provided, single submitter. Criteria: ACMG Guidelines, 2015. Collection method: clinical testing. Allele origin: germline. Affected: no.

Mayo Clinic Laboratories, Mayo Clinic
Classification: Benign. Last evaluated: 2022-03-24. Review status: criteria provided, single submitter. Criteria: ACMG Guidelines, 2015. Collection method: clinical testing. Allele origin: germline. Observed: 1,194 variant alleles.

Illumina Laboratory Services, Illumina
Classification: Benign for Dystonia 9. Last evaluated: 2018-03-06. Review status: criteria provided, single submitter. Criteria: ICSL Variant Classification Criteria 13 December 2019. Collection method: clinical testing. Allele origin: germline.
Comment: This variant was observed in the ICSL laboratory as part of a predisposition screen in an ostensibly healthy population. It had not been previously curated by ICSL or reported in the Human Gene Mutation Database (HGMD: prior to June 1st, 2018), and was therefore a candidate for classification through an automated scoring system. Utilizing variant allele frequency, disease prevalence and penetrance estimates, and inheritance mode, an automated score was calculated to assess if this variant is too frequent to cause the disease. Based on the score and internal cut-off values, a variant classified as benign is not then subjected to further curation. The score for this variant resulted in a classification of benign for this disease.

Illumina Laboratory Services, Illumina
Classification: Benign for Encephalopathy due to GLUT1 deficiency. Last evaluated: 2018-03-06. Review status: criteria provided, single submitter. Criteria: ICSL Variant Classification Criteria 13 December 2019. Collection method: clinical testing. Allele origin: germline.
Comment: the same text as in the submission from Illumina Laboratory Services, Illumina above.

Athena Diagnostics
Classification: Benign. Last evaluated: 2017-04-14. Review status: criteria provided, single submitter. Criteria: Athena Diagnostics Criteria. Collection method: clinical testing. Allele origin: germline.

Center for Pediatric Genomic Medicine, Children's Mercy Hospital and Clinics
Classification: Benign. Last evaluated: 2016-07-08. Review status: criteria provided, single submitter. Criteria: ACMG Guidelines, 2015. Collection method: clinical testing. Allele origin: germline.

Eurofins Ntd Llc (ga)
Classification: Benign. Last evaluated: 2016-06-27. Review status: criteria provided, single submitter. Criteria: EGL Classification Definitions 2015. Collection method: clinical testing. Allele origin: germline. Observed: 30 variant alleles, 28 heterozygotes, 2 homozygotes.

Ambry Genetics
Classification: Benign for Inborn genetic diseases. Last evaluated: 2016-02-22. Review status: criteria provided, single submitter. Criteria: Ambry Variant Classification Scheme 2023. Collection method: clinical testing. Allele origin: germline.

GeneDx
Classification: Benign. Last evaluated: 2013-08-07. Review status: criteria provided, single submitter. Criteria: GeneDx Variant Classification (06012015). Collection method: clinical testing. Allele origin: germline. Affected: yes.
Comment: This variant is considered likely benign or benign based on one or more of the following criteria: it is a conservative change, it occurs at a poorly conserved position in the protein, it is predicted to be benign by multiple in silico algorithms, and/or has population frequency not consistent with disease.

Genetic Services Laboratory, University of Chicago
Classification: Benign. Last evaluated: 2013-02-08. Review status: criteria provided, single submitter. Criteria: ACMG Guidelines, 2007. Collection method: clinical testing. Allele origin: germline. Inheritance: Autosomal dominant inheritance.

Breakthrough Genomics
Classification: Benign. Review status: criteria provided, single submitter. Criteria: ACMG Guidelines, 2015. Collection method: not provided. Allele origin: germline. Inheritance: Autosomal dominant inheritance. Affected: yes.

PreventionGenetics, part of Exact Sciences
Classification: Benign. Review status: criteria provided, single submitter. Criteria: ACMG Guidelines, 2015. Collection method: clinical testing. Allele origin: germline.

Clinical Genetics DNA and cytogenetics Diagnostics Lab, Erasmus MC, Erasmus Medical Center
Classification: Benign. Review status: no assertion criteria provided. Collection method: clinical testing. Allele origin: germline. Affected: yes. Study: VKGL Data-share Consensus. Not counted in ClinVar's aggregate classification.

Clinical Genetics, Academic Medical Center
Classification: Benign. Review status: no assertion criteria provided. Collection method: clinical testing. Allele origin: germline. Affected: yes. Study: VKGL Data-share Consensus. Not counted in ClinVar's aggregate classification.

Diagnostic Laboratory, Department of Genetics, University Medical Center Groningen
Classification: Benign. Review status: no assertion criteria provided. Collection method: clinical testing. Allele origin: germline. Affected: yes. Study: VKGL Data-share Consensus. Not counted in ClinVar's aggregate classification.

Genome Diagnostics Laboratory, University Medical Center Utrecht
Classification: Benign. Review status: no assertion criteria provided. Collection method: clinical testing. Allele origin: germline. Affected: yes. Study: VKGL Data-share Consensus. Not counted in ClinVar's aggregate classification.

Joint Genome Diagnostic Labs from Nijmegen and Maastricht, Radboudumc and MUMC+
Classification: Benign. Review status: no assertion criteria provided. Collection method: clinical testing. Allele origin: germline. Affected: yes. Study: VKGL Data-share Consensus. Not counted in ClinVar's aggregate classification.